The following is an entry in ClinVar:

ClinVar aggregate classification (germline): Uncertain significance (1 of 4 stars; one submission).

Conditions:
ALG9 congenital disorder of glycosylation (CDG1L). Also called: ALG9-CDG; CONGENITAL DISORDER OF GLYCOSYLATION, TYPE Il; CDG Il. Identifiers: Orphanet 79328, MedGen C2931006, MONDO:0012117, OMIM 608776.

Allele frequency attached by ClinVar (database versions not stated): TOPMed below 0.00001.

Submission:

Labcorp Genetics (formerly Invitae), Labcorp
Classification: Uncertain significance for ALG9 congenital disorder of glycosylation. Last evaluated: 2023-11-12. Review status: criteria provided, single submitter. Criteria: Invitae Variant Classification Sherloc (09022015). Collection method: clinical testing. Allele origin: germline.
Comment: This sequence change replaces phenylalanine, which is neutral and non-polar, with serine, which is neutral and polar, at codon 138 of the ATP6V0A2 protein (p.Phe138Ser). This variant is not present in population databases (gnomAD no frequency). This variant has not been reported in the literature in individuals affected with ATP6V0A2-related conditions. Advanced modeling of protein sequence and biophysical properties (such as structural, functional, and spatial information, amino acid conservation, physicochemical variation, residue mobility, and thermodynamic stability) performed at Invitae indicates that this missense variant is not expected to disrupt ATP6V0A2 protein function with a negative predictive value of 80%. In summary, the available evidence is currently insufficient to determine the role of this variant in disease. Therefore, it has been classified as a Variant of Uncertain Significance.

NM_012463.4(ATP6V0A2):c.413T>C (p.Phe138Ser)

Gene: ATP6V0A2 (ATPase H+ transporting V0 subunit a2; plus strand). Cytogenetic location: 12q24.31.
Variant type: single nucleotide variant.
Coding change: c.413T>C on transcript NM_012463.4 (MANE Select); coding-DNA position 413, T replaced by C.
Protein change: p.Phe138Ser; replaces phenylalanine 138 with serine.
Molecular consequence: missense variant.
Genome position (GRCh38, 1-based): chr12:123,724,772, T>C. VCF-style: chr12-123724772-T-C. GRCh37 (hg19) VCF-style: chr12-124209319-T-C.
Other names: short protein forms F138S.
Identifiers: ClinVar variation 2695276 (VCV002695276.3), dbSNP rs1956432938, ClinGen allele CA387151920.